The following is an entry in ClinVar:

ClinVar aggregate classification (germline): Uncertain significance (1 of 4 stars; one submission).

Allele frequency attached by ClinVar (database versions not stated): gnomAD exomes below 0.00001.
gnomAD v4.1: 6 of 1,475,734 alleles (0.00041%); highest among the groups gnomAD compares: Non-Finnish European, 0.00054%; no homozygotes.

Submission:

Labcorp Genetics (formerly Invitae), Labcorp
Classification: Uncertain significance. Last evaluated: 2023-05-25. Review status: criteria provided, single submitter. Criteria: Invitae Variant Classification Sherloc (09022015). Collection method: clinical testing. Allele origin: germline.
Comment: In summary, the available evidence is currently insufficient to determine the role of this variant in disease. Therefore, it has been classified as a Variant of Uncertain Significance. Advanced modeling of protein sequence and biophysical properties (such as structural, functional, and spatial information, amino acid conservation, physicochemical variation, residue mobility, and thermodynamic stability) performed at Invitae indicates that this missense variant is not expected to disrupt COL4A1 protein function. ClinVar contains an entry for this variant (Variation ID: 1970164). This variant has not been reported in the literature in individuals affected with COL4A1-related conditions. This variant is not present in population databases (gnomAD no frequency). This sequence change replaces histidine, which is basic and polar, with tyrosine, which is neutral and polar, at codon 22 of the COL4A1 protein (p.His22Tyr).

NM_001845.6(COL4A1):c.64C>T (p.His22Tyr)

Gene: COL4A1 (collagen type IV alpha 1 chain; minus strand). Cytogenetic location: 13q34.
Variant type: single nucleotide variant.
Coding change: c.64C>T on transcript NM_001845.6 (MANE Select); coding-DNA position 64, C replaced by T.
Protein change: p.His22Tyr; replaces histidine 22 with tyrosine.
Molecular consequence: missense variant.
Genome position (GRCh38, 1-based): chr13:110,306,964, G>A on the plus strand (C>T on the coding strand, the complement: COL4A1 is on the minus strand). VCF-style: chr13-110306964-G-A. GRCh37 (hg19) VCF-style: chr13-110959311-G-A.
Other names: c.64C>T, p.His22Tyr (NM_001303110.2); short protein forms H22Y.
Identifiers: ClinVar variation 1970164 (VCV001970164.5), dbSNP rs2501838471, ClinGen allele CA388732527.